The following is an entry in ClinVar:

ClinVar aggregate classification (germline): Uncertain significance (1 of 4 stars; one submission).

Allele frequency attached by ClinVar (database versions not stated): ExAC 0.00001; gnomAD exomes 0.00001 and 0.00003; gnomAD 0.00003 and 0.00004.
gnomAD v4.1: 43 of 1,613,880 alleles (0.0027%); highest among the groups gnomAD compares: Non-Finnish European, 0.0035%; no homozygotes.

Submission:

Labcorp Genetics (formerly Invitae), Labcorp
Classification: Uncertain significance. Last evaluated: 2023-10-05. Review status: criteria provided, single submitter. Criteria: Invitae Variant Classification Sherloc (09022015). Collection method: clinical testing. Allele origin: germline.
Comment: This sequence change replaces glutamic acid, which is acidic and polar, with glycine, which is neutral and non-polar, at codon 1940 of the VCAN protein (p.Glu1940Gly). This variant is present in population databases (rs749963310, gnomAD 0.003%). This variant has not been reported in the literature in individuals affected with VCAN-related conditions. ClinVar contains an entry for this variant (Variation ID: 1051158). An algorithm developed to predict the effect of missense changes on protein structure and function (PolyPhen-2) suggests that this variant is likely to be tolerated. In summary, the available evidence is currently insufficient to determine the role of this variant in disease. Therefore, it has been classified as a Variant of Uncertain Significance.

NM_004385.5(VCAN):c.5819A>G (p.Glu1940Gly)

Genes: VCAN (versican; plus strand), VCAN-AS1 (VCAN antisense RNA 1; minus strand). Cytogenetic location: 5q14.3.
Variant type: single nucleotide variant.
Coding change: c.5819A>G on transcript NM_004385.5 (MANE Select); coding-DNA position 5819, A replaced by G.
Protein change: p.Glu1940Gly; replaces glutamic acid 1940 with glycine.
Molecular consequence: missense variant. On other transcripts: intron variant (2).
Genome position (GRCh38, 1-based): chr5:83,538,822, A>G. VCF-style: chr5-83538822-A-G. GRCh37 (hg19) VCF-style: chr5-82834641-A-G.
Other names: c.2858A>G, p.Glu953Gly (NM_001164097.2); c.4004-6715A>G (NM_001164098.2); c.1043-6715A>G (NM_001126336.3); short protein forms E1940G, E953G.
Identifiers: ClinVar variation 1051158 (VCV001051158.9), dbSNP rs749963310, ClinGen allele CA3333384.